The following is an entry in ClinVar:

NM_001144967.3(NEDD4L):c.778GAGCCC[3] (p.Pro263_Ser264insGluPro)

Gene: NEDD4L (NEDD4 like E3 ubiquitin protein ligase; plus strand). Cytogenetic location: 18q21.31.
Variant type: Microsatellite.
Coding change: c.778GAGCCC[3] on transcript NM_001144967.3 (MANE Select); three copies in a row of the 6-base unit GAGCCC starting at c.778; the reference has two copies in a row; one copy, 6 bases duplicated.
Protein change: p.Pro263_Ser264insGluPro.
Molecular consequence: inframe insertion.
Genome position (GRCh38, 1-based): chr18:58,329,098-58,329,103, GAGCCC duplicated; duplicating any 6 consecutive bases within chr18:58,329,092-58,329,103 gives the same sequence; the position shown is the placement nearest the transcript's 3' end. VCF-style (leftmost placement, unchanged base first): chr18-58329091-G-GGAGCCC. GRCh37 (hg19) VCF-style: chr18-55996323-G-GGAGCCC.
Other names: c.415GAGCCC[3], p.Pro142_Ser143insGluPro (NM_001144964.1, NM_001144965.2, NM_001144966.3 and 2 more transcripts); c.754GAGCCC[3], p.Pro255_Ser256insGluPro (NM_001144968.2, NM_001144969.2); c.778GAGCCC[3], p.Pro263_Ser264insGluPro (NM_001243960.2, NM_015277.6).
Identifiers: ClinVar variation 2964767 (VCV002964767.3), dbSNP rs763418389, ClinGen allele CA8975462.

ClinVar aggregate classification (germline): Uncertain significance (1 of 4 stars; one submission).

Submission:

Labcorp Genetics (formerly Invitae), Labcorp
Classification: Uncertain significance. Last evaluated: 2023-02-11. Review status: criteria provided, single submitter. Criteria: Invitae Variant Classification Sherloc (09022015). Collection method: clinical testing. Allele origin: germline.
Comment: In summary, the available evidence is currently insufficient to determine the role of this variant in disease. Therefore, it has been classified as a Variant of Uncertain Significance. This variant has not been reported in the literature in individuals affected with NEDD4L-related conditions. This variant, c.784_789dup, results in the insertion of 2 amino acid(s) of the NEDD4L protein (p.Glu262_Pro263dup), but otherwise preserves the integrity of the reading frame. This variant is present in population databases (rs763418389, gnomAD 0.006%).